The following is an entry in ClinVar:

ClinVar aggregate classification (germline): Uncertain significance (1 of 4 stars; one submission).

Conditions:
Mucopolysaccharidosis, MPS-IV-A (MPS4A). Also called: Mucopolysaccharidosis type IV A; Mucopolysaccharidosis Type IVA; Morquio syndrome A, mild; MORQUIO SYNDROME A; MPS IVA; mucopolysaccharidosis type 4A. Identifiers: Orphanet 309297, Orphanet 582, MedGen C0086651, MONDO:0009659, OMIM 253000.

Submission:

Laboratory of Diagnosis and Therapy of Lysosomal Disorders, University of Padova
Classification: Uncertain significance for Mucopolysaccharidosis, MPS-IV-A. Last evaluated: 2021-02-01. Review status: criteria provided, single submitter. Criteria: ACMG Guidelines, 2015. Collection method: curation. Allele origin: germline. Affected: yes.
Comment: Absent from gnomAD v2.1.1 (PM2_moderate)

Literature cited by the submitters: PubMed 15235041; PubMed 16287098; PubMed 34387910.

NM_000512.5(GALNS):c.1192C>G (p.His398Asp)

Gene: GALNS (galactosamine (N-acetyl)-6-sulfatase; minus strand). Cytogenetic location: 16q24.3.
Variant type: single nucleotide variant.
Coding change: c.1192C>G on transcript NM_000512.5 (MANE Select); coding-DNA position 1192, C replaced by G.
Protein change: p.His398Asp; replaces histidine 398 with aspartic acid.
Molecular consequence: missense variant.
Genome position (GRCh38, 1-based): chr16:88,824,817, G>C on the plus strand (C>G on the coding strand, the complement: GALNS is on the minus strand). VCF-style: chr16-88824817-G-C. GRCh37 (hg19) VCF-style: chr16-88891225-G-C.
Other names: c.637C>G, p.His213Asp (NM_001323543.2); c.1210C>G, p.His404Asp (NM_001323544.2); short protein forms H213D, H398D, H404D.
Identifiers: ClinVar variation 1048327 (VCV001048327.3), dbSNP rs1910635964, ClinGen allele CA397097601.
Genomic context (GRCh38, chr16:88,824,817, plus strand): 5'-AGCCCTGTACCTGTCTGAAGTTCTCCCAGGAGTTGGTCCAGGTCCAGAAGTGAGCCTTGT[G>C]CTGCCCGAGGGTGGCCGCCATCAGCGTGTCGCCACGGTAATAGAAGATAGGCCTGTGGGA-3'
Protein context (NP_000503.1, residues 388-408): DTLMAATLGQ[His398Asp]KAHFWTWTNS